The following is an entry in ClinVar:

ClinVar aggregate classification (germline): Uncertain significance. Review status: criteria provided, multiple submitters, no conflicts (2 of 4 stars). 2 submissions from 2 submitters: Uncertain significance (2). Last evaluated 2025-09-15.

Conditions:
Cardiovascular phenotype. Identifiers: MedGen CN230736.

Allele frequency attached by ClinVar (database versions not stated): gnomAD exomes below 0.00001; ExAC 0.00001; ESP Exome Variant Server 0.00008.
gnomAD v4.1: 5 of 1,614,076 alleles (0.00031%); highest among the groups gnomAD compares: South Asian, 0.0033%; no homozygotes.

Submissions (2):

Women's Health and Genetics/Laboratory Corporation of America, LabCorp
Classification: Uncertain significance. Last evaluated: 2025-09-15. Review status: criteria provided, single submitter. Criteria: LabCorp Variant Classification Summary - May 2015. Collection method: clinical testing. Allele origin: germline.
Comment: Variant summary: FKBP14 c.155A>G (p.Tyr52Cys) results in a non-conservative amino acid change in the encoded protein sequence. Algorithms developed to predict the effect of missense changes on protein structure and function all suggest that this variant is likely to be disruptive. The variant allele was found at a frequency of 1.2e-05 in 251378 control chromosomes. The available data on variant occurrences in the general population are insufficient to allow any conclusion about variant significance. To our knowledge, no occurrence of c.155A>G in individuals affected with FKBP14-related conditions and no experimental evidence demonstrating its impact on protein function have been reported. ClinVar contains an entry for this variant (Variation ID: 3227100). Based on the evidence outlined above, the variant was classified as uncertain significance.

Ambry Genetics
Classification: Uncertain significance for Cardiovascular phenotype. Last evaluated: 2024-03-05. Review status: criteria provided, single submitter. Criteria: Ambry Variant Classification Scheme 2023. Collection method: clinical testing. Allele origin: germline.
Comment: The p.Y52C variant (also known as c.155A>G), located in coding exon 1 of the FKBP14 gene, results from an A to G substitution at nucleotide position 155. The tyrosine at codon 52 is replaced by cysteine, an amino acid with highly dissimilar properties. This amino acid position is conserved. In addition, this alteration is predicted to be deleterious by in silico analysis. Based on the available evidence, the clinical significance of this alteration remains unclear.

NM_017946.4(FKBP14):c.155A>G (p.Tyr52Cys)

Genes: FKBP14 (FKBP prolyl isomerase 14; minus strand), FKBP14-AS1 (FKBP14 antisense RNA 1; plus strand). Cytogenetic location: 7p14.3.
Variant type: single nucleotide variant.
Coding change: c.155A>G on transcript NM_017946.4 (MANE Select); coding-DNA position 155, A replaced by G.
Protein change: p.Tyr52Cys; replaces tyrosine 52 with cysteine.
Molecular consequence: missense variant. On other transcripts: non-coding transcript variant (3).
Genome position (GRCh38, 1-based): chr7:30,026,354, T>C on the plus strand (A>G on the coding strand, the complement: FKBP14 is on the minus strand). VCF-style: chr7-30026354-T-C. GRCh37 (hg19) VCF-style: chr7-30065970-T-C.
Other names: short protein forms Y52C.
Identifiers: ClinVar variation 3227100 (VCV003227100.2), dbSNP rs138774873, ClinGen allele CA4203493.
Genomic context (GRCh38, chr7:30,026,354, plus strand): 5'-CGGGGCATAATTACTTACGTGGAGTGAAATAAGGAGCCGTCCTTTTCTAAGTAGCCTTCA[T>C]AGTGGACCAACATCAAATCCCCTCCTTTGGTCTTGCGATGGCAGATGAATGGCTTCTGGA-3'
Protein context (NP_060416.1, residues 42-62): TKGGDLMLVH[Tyr52Cys]EGYLEKDGSL